The following is an entry in ClinVar:

ClinVar aggregate classification (germline): Conflicting classifications of pathogenicity. Review status: criteria provided, conflicting classifications (1 of 4 stars). 2 submissions from 2 submitters: Uncertain significance (1); Likely benign (1). Last evaluated 2025-10-28.

gnomAD v4.1: 14 of 1,613,782 alleles (0.00087%); highest among the groups gnomAD compares: Admixed American, 0.017%; no homozygotes.

Submissions (2):

Labcorp Genetics (formerly Invitae), Labcorp
Classification: Uncertain significance. Last evaluated: 2025-10-28. Review status: criteria provided, single submitter. Criteria: Invitae Variant Classification Sherloc (09022015). Collection method: clinical testing. Allele origin: germline.
Comment: This sequence change replaces valine, which is neutral and non-polar, with isoleucine, which is neutral and non-polar, at codon 2006 of the IGSF10 protein (p.Val2006Ile). This variant is present in population databases (rs764217271, gnomAD 0.02%). This variant has not been reported in the literature in individuals affected with IGSF10-related conditions. ClinVar contains an entry for this variant (Variation ID: 3859907). An algorithm developed to predict the effect of missense changes on protein structure and function outputs the following: PolyPhen-2: "Benign". The isoleucine amino acid residue is found in multiple mammalian species, which suggests that this missense change does not adversely affect protein function. In summary, the available evidence is currently insufficient to determine the role of this variant in disease. Therefore, it has been classified as a Variant of Uncertain Significance.

Ambry Genetics
Classification: Likely benign. Last evaluated: 2025-01-08. Review status: criteria provided, single submitter. Criteria: Ambry Variant Classification Scheme 2023. Collection method: clinical testing. Allele origin: germline.

NM_178822.5(IGSF10):c.6016G>A (p.Val2006Ile)

Gene: IGSF10 (immunoglobulin superfamily member 10; minus strand). Cytogenetic location: 3q25.1.
Variant type: single nucleotide variant.
Coding change: c.6016G>A on transcript NM_178822.5 (MANE Select); coding-DNA position 6016, G replaced by A.
Protein change: p.Val2006Ile; replaces valine 2006 with isoleucine.
Molecular consequence: missense variant. On other transcripts: 5 prime UTR variant (2).
Genome position (GRCh38, 1-based): chr3:151,438,545, C>T on the plus strand (G>A on the coding strand, the complement: IGSF10 is on the minus strand). VCF-style: chr3-151438545-C-T. GRCh37 (hg19) VCF-style: chr3-151156333-C-T.
Other names: c.-48G>A (NM_001178145.3, NM_001178146.3); c.6016G>A, p.Val2006Ile (NM_001385060.1, NM_001385061.1, NM_001385062.1 and 1 more transcripts); short protein forms V2006I.
Identifiers: ClinVar variation 3859907 (VCV003859907.2).
Genomic context (GRCh38, chr3:151,438,545, plus strand): 5'-GATCATCCCCCATTTTGTTTCTTGCCACACACAAGTAGACACCACTGTCTTTTTCTGTTA[C>T]TGATCCAATAAACAGGGATCCATTAGGGTAGACGTGGATCCAGCTGCCCACTCTAAGGAG-3'
Protein context (NP_849144.2, residues 1996-2016): YPNGSLFIGS[Val2006Ile]TEKDSGVYLC